The following is an entry in ClinVar:

ClinVar aggregate classification (germline): Uncertain significance (1 of 4 stars; one submission).

Submission:

GeneDx
Classification: Uncertain significance. Last evaluated: 2025-05-23. Review status: criteria provided, single submitter. Criteria: GeneDx Variant Classification Process June 2021. Collection method: clinical testing. Allele origin: germline. Affected: yes.
Comment: Not observed at significant frequency in large population cohorts (gnomAD); In silico analysis suggests that this missense variant does not alter protein structure/function; Has not been previously published as pathogenic or benign to our knowledge

NM_001457.4(FLNB):c.4985C>A (p.Ala1662Asp)

Gene: FLNB (filamin B; plus strand). Cytogenetic location: 3p14.3.
Variant type: single nucleotide variant.
Coding change: c.4985C>A on transcript NM_001457.4 (MANE Select); coding-DNA position 4985, C replaced by A.
Protein change: p.Ala1662Asp; replaces alanine 1662 with aspartic acid.
Molecular consequence: missense variant.
Genome position (GRCh38, 1-based): chr3:58,138,405, C>A. VCF-style: chr3-58138405-C-A. GRCh37 (hg19) VCF-style: chr3-58124132-C-A.
Other names: c.5078C>A, p.Ala1693Asp (NM_001164317.2); c.4985C>A, p.Ala1662Asp (NM_001164318.2, NM_001164319.2); short protein forms A1662D, A1693D.
Identifiers: ClinVar variation 4531119 (VCV004531119.1).